The following is an entry in ClinVar:

NM_000337.6(SGCD):c.294+3A>G

Gene: SGCD (sarcoglycan delta; plus strand). Cytogenetic location: 5q33.3.
Variant type: single nucleotide variant.
Coding change: c.294+3A>G on transcript NM_000337.6 (MANE Select); 3 bases into the intron after coding-DNA position 294, A replaced by G.
Molecular consequence: intron variant.
Genome position (GRCh38, 1-based): chr5:156,508,705, A>G. VCF-style: chr5-156508705-A-G. GRCh37 (hg19) VCF-style: chr5-155935715-A-G.
Other names: c.291+3A>G (NM_001128209.2); c.294+3A>G (NM_172244.3).
Identifiers: ClinVar variation 1017850 (VCV001017850.4), dbSNP rs766462865, ClinGen allele CA130613353.
Genomic context (GRCh38, chr5:156,508,705, plus strand): 5'-AGAAGGAGACTCTGAATTCTTACAACCTCTCTACGCCAAAGAAATCCAGTCCCGACCAGT[A>G]AGTTTCTGCTGAGAGAAGGAGGCATTATTGTTGCTCTAGAATCTAAATCTGGAGGAATTG-3'

ClinVar aggregate classification (germline): Uncertain significance (1 of 4 stars; one submission).

Conditions:
Autosomal recessive limb-girdle muscular dystrophy type 2F (LGMDR6). Also called: Muscular dystrophy limb-girdle with delta-sarcoglyan deficiency; MUSCULAR DYSTROPHY, LIMB-GIRDLE, AUTOSOMAL RECESSIVE 6. Identifiers: Orphanet 219, MedGen C1832525, MONDO:0011028, OMIM 601287. Disease mechanism: Affects gamma-sarcoglycan and also disrupts the integrity of the entire sarcoglycan complex..

Allele frequency attached by ClinVar (database versions not stated): gnomAD exomes 0.00001; gnomAD 0.00002; TOPMed 0.00002.
gnomAD v4.1: 13 of 1,535,890 alleles (0.00085%); highest among the groups gnomAD compares: Admixed American, 0.0054%; no homozygotes.

Submission:

Labcorp Genetics (formerly Invitae), Labcorp
Classification: Uncertain significance for Autosomal recessive limb-girdle muscular dystrophy type 2F. Last evaluated: 2022-04-16. Review status: criteria provided, single submitter. Criteria: Invitae Variant Classification Sherloc (09022015). Collection method: clinical testing. Allele origin: germline.
Comment: This sequence change falls in intron 4 of the SGCD gene. It does not directly change the encoded amino acid sequence of the SGCD protein. It affects a nucleotide within the consensus splice site. This variant is not present in population databases (gnomAD no frequency). This variant has not been reported in the literature in individuals affected with SGCD-related conditions. ClinVar contains an entry for this variant (Variation ID: 1017850). Variants that disrupt the consensus splice site are a relatively common cause of aberrant splicing (PMID: 17576681, 9536098). Algorithms developed to predict the effect of sequence changes on RNA splicing suggest that this variant is not likely to affect RNA splicing. In summary, the available evidence is currently insufficient to determine the role of this variant in disease. Therefore, it has been classified as a Variant of Uncertain Significance.

Literature cited by the submitters: PubMed 17576681; PubMed 9536098.